The following is an entry in ClinVar:

NM_016292.3(TRAP1):c.1736C>T (p.Thr579Met)

Genes: DNASE1 (deoxyribonuclease 1; plus strand), TRAP1 (TNF receptor associated protein 1; minus strand). Cytogenetic location: 16p13.3.
Variant type: single nucleotide variant.
Coding change: c.1736C>T on transcript NM_016292.3 (MANE Select); coding-DNA position 1736, C replaced by T.
Protein change: p.Thr579Met; replaces threonine 579 with methionine.
Molecular consequence: missense variant. On other transcripts: 3 prime UTR variant (1).
Genome position (GRCh38, 1-based): chr16:3,662,940, G>A on the plus strand (C>T on the coding strand, the complement: TRAP1 is on the minus strand). VCF-style: chr16-3662940-G-A. GRCh37 (hg19) VCF-style: chr16-3712941-G-A.
Other names: c.1577C>T, p.Thr526Met (NM_001272049.2); c.*316G>A (NM_001387140.1); short protein forms T526M, T579M.
Identifiers: ClinVar variation 4800156 (VCV004800156.1).

ClinVar aggregate classification (germline): Uncertain significance (1 of 4 stars; one submission).

gnomAD v4.1: 220 of 1,612,400 alleles (0.014%); highest among the groups gnomAD compares: African/African-American, 0.11%; no homozygotes.

Submission:

Labcorp Genetics (formerly Invitae), Labcorp
Classification: Uncertain significance. Last evaluated: 2025-11-11. Review status: criteria provided, single submitter. Criteria: Invitae Variant Classification Sherloc (09022015). Collection method: clinical testing. Allele origin: germline.
Comment: This sequence change replaces threonine, which is neutral and polar, with methionine, which is neutral and non-polar, at codon 579 of the TRAP1 protein (p.Thr579Met). This variant is present in population databases (rs112776374, gnomAD 0.1%), and has an allele count higher than expected for a pathogenic variant. This variant has not been reported in the literature in individuals affected with TRAP1-related conditions. Invitae Evidence Modeling of protein sequence and biophysical properties (such as structural, functional, and spatial information, amino acid conservation, physicochemical variation, residue mobility, and thermodynamic stability) indicates that this missense variant is not expected to disrupt TRAP1 protein function with a negative predictive value of 80%. In summary, the available evidence is currently insufficient to determine the role of this variant in disease. Therefore, it has been classified as a Variant of Uncertain Significance.